The following is an entry in ClinVar:

NM_000138.5(FBN1):c.7514G>A (p.Gly2505Asp)

Gene: FBN1 (fibrillin 1; minus strand). Cytogenetic location: 15q21.1.
Variant type: single nucleotide variant.
Coding change: c.7514G>A on transcript NM_000138.5 (MANE Select); coding-DNA position 7514, G replaced by A.
Protein change: p.Gly2505Asp; replaces glycine 2505 with aspartic acid.
Molecular consequence: missense variant.
Genome position (GRCh38, 1-based): chr15:48,422,008, C>T on the plus strand (G>A on the coding strand, the complement: FBN1 is on the minus strand). VCF-style: chr15-48422008-C-T. GRCh37 (hg19) VCF-style: chr15-48714205-C-T.
Other names: c.7514G>A, p.Gly2505Asp (NM_001406716.1); short protein forms G2505D.
Identifiers: ClinVar variation 3070523 (VCV003070523.1), dbSNP rs2505399627, ClinGen allele CA392325959.

ClinVar aggregate classification (germline): Uncertain significance (1 of 4 stars; one submission).

Conditions:
Marfan syndrome (MFS). Also called: MARFAN SYNDROME, TYPE I; Marfan syndrome type 1; Marfan's syndrome; Marfan syndrome, classic; FBN1-Related Marfan Syndrome. Identifiers: Orphanet 284963, Orphanet 558, MedGen C0024796, MONDO:0007947, OMIM 154700.

Submission:

All of Us Research Program, National Institutes of Health
Classification: Uncertain significance for Marfan syndrome. Last evaluated: 2023-04-28. Review status: criteria provided, single submitter. Criteria: ACMG Guidelines, 2015. Collection method: clinical testing. Allele origin: germline. Inheritance: Autosomal dominant inheritance. Observed: 1 variant allele, 1 heterozygote.
Comment: This missense variant replaces glycine with aspartic acid at codon 2505 of the FBN1 protein. Computational prediction suggests that this variant may have deleterious impact on protein structure and function (internally defined REVEL score threshold >= 0.7, PMID: 27666373). To our knowledge, functional studies have not been reported for this variant. This variant has not been reported in individuals affected with FBN1-related disorders in the literature. This variant has not been identified in the general population by the Genome Aggregation Database (gnomAD). The available evidence is insufficient to determine the role of this variant in disease conclusively. Therefore, this variant is classified as a Variant of Uncertain Significance.

This study involves interpretation of variants in research participants for the purpose of population health screening. Participant phenotype was not available at the time of variant classification. Additional details can be found in publication PMID: 35346344, PMCID: PMC8962531